The following is an entry in ClinVar:

ClinVar aggregate classification (germline): Uncertain significance (1 of 4 stars; one submission).

Conditions:
Ataxia-telangiectasia syndrome (AT). Also called: LOUIS-BAR SYNDROME; Cerebello-oculocutaneous telangiectasia; Immunodeficiency with ataxia telangiectasia; Ataxia-telangiectasia, complementation group D; AT, COMPLEMENTATION GROUP C; ATAXIA-TELANGIECTASIA, COMPLEMENTATION GROUP A. Identifiers: Orphanet 100, MedGen C0004135, MONDO:0008840, OMIM 208900.

Submission:

Labcorp Genetics (formerly Invitae), Labcorp
Classification: Uncertain significance for Ataxia-telangiectasia syndrome. Last evaluated: 2025-04-11. Review status: criteria provided, single submitter. Criteria: Invitae Variant Classification Sherloc (09022015). Collection method: clinical testing. Allele origin: germline.
Comment: This sequence change replaces asparagine, which is neutral and polar, with tyrosine, which is neutral and polar, at codon 2985 of the ATM protein (p.Asn2985Tyr). This variant is not present in population databases (gnomAD no frequency). This variant has not been reported in the literature in individuals affected with ATM-related conditions. Invitae Evidence Modeling of protein sequence and biophysical properties (such as structural, functional, and spatial information, amino acid conservation, physicochemical variation, residue mobility, and thermodynamic stability) indicates that this missense variant is not expected to disrupt ATM protein function with a negative predictive value of 95%. In summary, the available evidence is currently insufficient to determine the role of this variant in disease. Therefore, it has been classified as a Variant of Uncertain Significance.

NM_000051.4(ATM):c.8953A>T (p.Asn2985Tyr)

Genes: ATM (ATM serine/threonine kinase; plus strand), C11orf65 (chromosome 11 open reading frame 65; minus strand). Cytogenetic location: 11q22.3.
Variant type: single nucleotide variant.
Coding change: c.8953A>T on transcript NM_000051.4 (MANE Select); coding-DNA position 8953, A replaced by T.
Protein change: p.Asn2985Tyr; replaces asparagine 2985 with tyrosine.
Molecular consequence: missense variant. On other transcripts: intron variant (2).
Genome position (GRCh38, 1-based): chr11:108,365,184, A>T. VCF-style: chr11-108365184-A-T. GRCh37 (hg19) VCF-style: chr11-108235911-A-T.
Other names: c.8953A>T, p.Asn2985Tyr (NM_001351834.2); c.640+20736T>A (NM_001330368.2); c.694+20736T>A (NM_001351110.2); short protein forms N2985Y.
Identifiers: ClinVar variation 4747280 (VCV004747280.1).